The following is an entry in ClinVar:

NM_006767.4(LZTR1):c.655G>T (p.Ala219Ser)

Gene: LZTR1 (leucine zipper like post translational regulator 1; plus strand). Cytogenetic location: 22q11.21.
Variant type: single nucleotide variant.
Coding change: c.655G>T on transcript NM_006767.4 (MANE Select); coding-DNA position 655, G replaced by T.
Protein change: p.Ala219Ser; replaces alanine 219 with serine.
Molecular consequence: missense variant.
Genome position (GRCh38, 1-based): chr22:20,990,389, G>T. VCF-style: chr22-20990389-G-T. GRCh37 (hg19) VCF-style: chr22-21344678-G-T.
Other names: short protein forms A219S.
Identifiers: ClinVar variation 3238318 (VCV003238318.1), dbSNP rs2518615646.

ClinVar aggregate classification (germline): Uncertain significance (1 of 4 stars; one submission).

Conditions:
Hereditary cancer-predisposing syndrome. Also called: Neoplastic Syndromes, Hereditary; Tumor predisposition; Hereditary neoplastic syndrome; Hereditary Cancer Syndrome. Identifiers: Orphanet 140162, MedGen C0027672, MeSH D009386, MONDO:0015356.
Cardiovascular phenotype. Identifiers: MedGen CN230736.

Submission:

Ambry Genetics
Classification: Uncertain significance for Cardiovascular phenotype; Hereditary cancer-predisposing syndrome. Last evaluated: 2024-03-09. Review status: criteria provided, single submitter. Criteria: Ambry Variant Classification Scheme 2023. Collection method: clinical testing. Allele origin: germline.
Comment: The p.A219S variant (also known as c.655G>T), located in coding exon 8 of the LZTR1 gene, results from a G to T substitution at nucleotide position 655. The alanine at codon 219 is replaced by serine, an amino acid with similar properties. This amino acid position is conserved. In addition, this alteration is predicted to be tolerated by in silico analysis. Based on the available evidence, the clinical significance of this alteration remains unclear.